The following is an entry in ClinVar:

NM_020374.4(FERRY3):c.670C>T (p.Gln224Ter)

Gene: FERRY3 (FERRY endosomal RAB5 effector complex subunit 3; minus strand). Cytogenetic location: 12p13.32.
Variant type: single nucleotide variant.
Coding change: c.670C>T on transcript NM_020374.4 (MANE Select); coding-DNA position 670, C replaced by T.
Protein change: p.Gln224Ter; replaces glutamine 224 with a stop codon.
Molecular consequence: nonsense. On other transcripts: 5 prime UTR variant (1), non-coding transcript variant (3).
Genome position (GRCh38, 1-based): chr12:4,525,312, G>A on the plus strand (C>T on the coding strand, the complement: FERRY3 is on the minus strand). VCF-style: chr12-4525312-G-A. GRCh37 (hg19) VCF-style: chr12-4634478-G-A.
Other names: c.670C>T, p.Gln224Ter (NM_001304811.2, NM_001346153.2, NM_001346155.2); c.151C>T, p.Gln51Ter (NM_001346156.2, NM_001346157.2); c.-76C>T (NM_001352962.2); short protein forms Q224*, Q51*.
Identifiers: ClinVar variation 2630920 (VCV002630920.2), dbSNP rs756919162, ClinGen allele CA6396295.

ClinVar aggregate classification (germline): Likely pathogenic (1 of 4 stars; one submission).

Conditions:
FERRY3-related condition.

Allele frequency attached by ClinVar (database versions not stated): ExAC 0.00001.

Submission:

PreventionGenetics, part of Exact Sciences
Classification: Likely pathogenic for FERRY3-related condition. Last evaluated: 2025-04-10. Review status: criteria provided, single submitter. Criteria: ACMG Guidelines, 2015. Collection method: clinical testing. Allele origin: germline.
Comment: The FERRY3 c.670C>T variant is predicted to result in premature protein termination (p.Gln224*). To our knowledge, this variant has not been reported in the literature. This variant is reported in 0.00088% of alleles in individuals of European (Non-Finnish) descent in gnomAD. Nonsense variants in C12orf4 are expected to be pathogenic. This variant is interpreted as likely pathogenic.